The following is an entry in ClinVar:

ClinVar aggregate classification (germline): Uncertain significance. Review status: criteria provided, multiple submitters, no conflicts (2 of 4 stars). 2 submissions from 2 submitters: Uncertain significance (2). Last evaluated 2025-11-20.

Conditions:
Developmental and epileptic encephalopathy, 23 (DEE23). Also called: Epileptic encephalopathy, early infantile, 23. Identifiers: Orphanet 411986, MedGen C4014492, MONDO:0014371, OMIM 615859.
Inborn genetic diseases. Identifiers: MedGen C0950123, MeSH D030342.

Allele frequency attached by ClinVar (database versions not stated): gnomAD exomes below 0.00001 and 0.00001; ExAC 0.00002.
gnomAD v4.1: 1 of 1,613,884 alleles (0.000062%); highest among the groups gnomAD compares: Non-Finnish European, 0.000085%; no homozygotes.

Submissions (2):

Ambry Genetics
Classification: Uncertain significance for Inborn genetic diseases. Last evaluated: 2025-11-20. Review status: criteria provided, single submitter. Criteria: Ambry Variant Classification Scheme 2023. Collection method: clinical testing. Allele origin: germline.

Labcorp Genetics (formerly Invitae), Labcorp
Classification: Uncertain significance for Developmental and epileptic encephalopathy, 23. Last evaluated: 2021-10-13. Review status: criteria provided, single submitter. Criteria: Invitae Variant Classification Sherloc (09022015). Collection method: clinical testing. Allele origin: germline.
Comment: This sequence change replaces isoleucine with methionine at codon 1234 of the DOCK7 protein (p.Ile1234Met). The isoleucine residue is weakly conserved and there is a small physicochemical difference between isoleucine and methionine. This variant is present in population databases (rs767516398, ExAC 0.003%). In summary, the available evidence is currently insufficient to determine the role of this variant in disease. Therefore, it has been classified as a Variant of Uncertain Significance. Algorithms developed to predict the effect of missense changes on protein structure and function (SIFT, PolyPhen-2, Align-GVGD) all suggest that this variant is likely to be tolerated. This variant has not been reported in the literature in individuals affected with DOCK7-related conditions.

NM_001367561.1(DOCK7):c.3702A>G (p.Ile1234Met)

Gene: DOCK7 (dedicator of cytokinesis 7; minus strand). Cytogenetic location: 1p31.3.
Variant type: single nucleotide variant.
Coding change: c.3702A>G on transcript NM_001367561.1 (MANE Select); coding-DNA position 3702, A replaced by G.
Protein change: p.Ile1234Met; replaces isoleucine 1234 with methionine.
Molecular consequence: missense variant.
Genome position (GRCh38, 1-based): chr1:62,529,356, T>C on the plus strand (A>G on the coding strand, the complement: DOCK7 is on the minus strand). VCF-style: chr1-62529356-T-C. GRCh37 (hg19) VCF-style: chr1-62995027-T-C.
Other names: c.3609A>G, p.Ile1203Met (NM_001272001.2, NM_033407.4, NM_001272000.2); c.3702A>G, p.Ile1234Met (NM_001330614.2, NM_001271999.2); c.3609A>G (NM_033407.2); short protein forms I1203M, I1234M.
Identifiers: ClinVar variation 1486653 (VCV001486653.5), dbSNP rs767516398, ClinGen allele CA885912.
Genomic context (GRCh38, chr1:62,529,356, plus strand): 5'-AGGTACAGTTTCCATGATAATACCAATCAGAGGTAGATACAACATGGCCACTCGAGCCTT[T>C]ATCTGAGGGTCAGAGTACCGCGGGTCTGAGTCGTGACTGGAGAGTAAATTGTGTACCATA-3'
Protein context (NP_001354490.1, residues 1224-1244): DSDPRYSDPQ[Ile1234Met]KARVAMLYLP